The following is an entry in ClinVar:

NM_002458.3(MUC5B):c.2694C>T (p.Tyr898=)

Gene: MUC5B (mucin 5B, oligomeric mucus/gel-forming; plus strand). Cytogenetic location: 11p15.5.
Variant type: single nucleotide variant.
Coding change: c.2694C>T on transcript NM_002458.3 (MANE Select); coding-DNA position 2694, C replaced by T.
Protein change: p.Tyr898=; no amino-acid change (tyrosine 898 retained).
Molecular consequence: synonymous variant.
Genome position (GRCh38, 1-based): chr11:1,235,148, C>T. VCF-style: chr11-1235148-C-T. GRCh37 (hg19) VCF-style: chr11-1256378-C-T.
Identifiers: ClinVar variation 4681548 (VCV004681548.5).

ClinVar aggregate classification (germline): Likely benign (1 of 4 stars; one submission).

gnomAD v4.1: 29 of 1,612,952 alleles (0.0018%); highest among the groups gnomAD compares: South Asian, 0.0066%; no homozygotes.

Submission:

CeGaT Center for Human Genetics Tuebingen
Classification: Likely benign. Last evaluated: 2025-12-01. Review status: criteria provided, single submitter. Criteria: CeGaT Center For Human Genetics Tuebingen Variant Classification Criteria Version 2. Collection method: clinical testing. Allele origin: germline. Affected: yes. Observed: 1 variant allele.
Comment: MUC5B: BP4, BP7